The following is an entry in ClinVar:

ClinVar aggregate classification (germline): Likely benign. Review status: criteria provided, multiple submitters, no conflicts (2 of 4 stars). 2 submissions from 2 submitters: Likely benign (2). Last evaluated 2025-08-02.

Allele frequency attached by ClinVar (database versions not stated): 1000 Genomes Project 30x 0.00094; 1000 Genomes Project 0.00120; TOPMed 0.00155; gnomAD 0.00161; ESP Exome Variant Server 0.00177; ExAC 0.00200.
gnomAD v4.1: 3,342 of 1,613,750 alleles (0.21%); highest among the groups gnomAD compares: Non-Finnish European, 0.25%; 7 homozygotes.

Submissions (2):

Ambry Genetics
Classification: Likely benign. Last evaluated: 2025-08-02. Review status: criteria provided, single submitter. Criteria: Ambry Variant Classification Scheme 2023. Collection method: clinical testing. Allele origin: germline.

CeGaT Center for Human Genetics Tuebingen
Classification: Likely benign. Last evaluated: 2022-05-01. Review status: criteria provided, single submitter. Criteria: CeGaT Center For Human Genetics Tuebingen Variant Classification Criteria Version 2. Collection method: clinical testing. Allele origin: germline. Affected: yes. Observed: 1 variant allele.
Comment: DOP1A: BP4

NM_015018.4(DOP1A):c.1966G>A (p.Val656Ile)

Gene: DOP1A (DOP1 leucine zipper like protein A; plus strand). Cytogenetic location: 6q14.1.
Variant type: single nucleotide variant.
Coding change: c.1966G>A on transcript NM_015018.4 (MANE Select); coding-DNA position 1966, G replaced by A.
Protein change: p.Val656Ile; replaces valine 656 with isoleucine.
Molecular consequence: missense variant. On other transcripts: non-coding transcript variant (2).
Genome position (GRCh38, 1-based): chr6:83,129,133, G>A. VCF-style: chr6-83129133-G-A. GRCh37 (hg19) VCF-style: chr6-83838852-G-A.
Other names: c.1939G>A (NM_001199942.1); c.1939G>A, p.Val647Ile (NM_001199942.2, NM_001385863.1, NM_001385865.1); c.1936G>A, p.Val646Ile (NM_001385856.1, NM_001385857.1, NM_001385860.1 and 1 more transcripts); c.1483G>A, p.Val495Ile (NM_001385858.1); c.1141G>A, p.Val381Ile (NM_001385859.1); c.430G>A, p.Val144Ile (NM_001385864.1); short protein forms V144I, V381I, V495I, V646I, V647I, V656I.
Identifiers: ClinVar variation 2656726 (VCV002656726.25), dbSNP rs147987838, ClinGen allele CA3905360.
Genomic context (GRCh38, chr6:83,129,133, plus strand): 5'-TCTGAGACAGAAACAGCATCCACTGTGGGATCTGAAGAAACCATCATCCAGACCCCTTCC[G>A]TAGTCACTCAGGGGACAGCAACCCGAAGTAGGAAGACAGCCCAAAAGACTGCAATGCAGT-3'
Protein context (NP_055833.2, residues 646-666): SEETIIQTPS[Val656Ile]VTQGTATRSR